The following is an entry in ClinVar:

ClinVar aggregate classification (germline): Uncertain significance (1 of 4 stars; one submission).

Conditions:
VWF-related disorder. Also called: VWF-related disorders; VWF-related condition.

Submission:

PreventionGenetics, part of Exact Sciences
Classification: Uncertain significance for VWF-related condition. Last evaluated: 2024-12-14. Review status: criteria provided, single submitter. Criteria: ACMG Guidelines, 2015. Collection method: clinical testing. Allele origin: germline.
Comment: The VWF c.8145C>G variant is predicted to result in the amino acid substitution p.Cys2715Trp. To our knowledge, this variant has not been reported in the literature or in a large population database (gnomAD), indicating this variant is rare. At this time, the clinical significance of this variant is uncertain due to the absence of conclusive functional and genetic evidence.

NM_000552.5(VWF):c.8145C>G (p.Cys2715Trp)

Gene: VWF (von Willebrand factor; minus strand). Cytogenetic location: 12p13.31.
Variant type: single nucleotide variant.
Coding change: c.8145C>G on transcript NM_000552.5 (MANE Select); coding-DNA position 8145, C replaced by G.
Protein change: p.Cys2715Trp; replaces cysteine 2715 with tryptophan.
Molecular consequence: missense variant.
Genome position (GRCh38, 1-based): chr12:5,951,854, G>C on the plus strand (C>G on the coding strand, the complement: VWF is on the minus strand). VCF-style: chr12-5951854-G-C. GRCh37 (hg19) VCF-style: chr12-6061020-G-C.
Other names: short protein forms C2715W.
Identifiers: ClinVar variation 5000240 (VCV005000240.1).